The following is an entry in ClinVar:

NM_001148.6(ANK2):c.9026A>C (p.Asp3009Ala)

Gene: ANK2 (ankyrin 2; plus strand). Cytogenetic location: 4q26.
Variant type: single nucleotide variant.
Coding change: c.9026A>C on transcript NM_001148.6 (MANE Select); coding-DNA position 9026, A replaced by C.
Protein change: p.Asp3009Ala; replaces aspartic acid 3009 with alanine.
Molecular consequence: missense variant. On other transcripts: intron variant (68).
Genome position (GRCh38, 1-based): chr4:113,357,644, A>C. VCF-style: chr4-113357644-A-C. GRCh37 (hg19) VCF-style: chr4-114278800-A-C.
Other names: c.4142-3179A>C (NM_001354260.2, NM_001354271.2, NM_001386151.1); c.4043-3179A>C (NM_001386157.1, NM_001354277.2); c.4361-3179A>C (NM_001386161.1, NM_001354244.2, NM_001354256.2); c.4286-3179A>C (NM_001354261.2); c.4166-3179A>C (NM_001386156.1, NM_001354257.2); c.4262-3179A>C (NM_001354264.2); c.4241-3179A>C (NM_001354267.2, NM_001386162.1, NM_001354249.2 and 2 more transcripts); c.3944-3179A>C (NM_001386158.1); and 35 more; short protein forms D1809A, D2931A, D3009A, D3048A, D3056A.
Identifiers: ClinVar variation 2575795 (VCV002575795.1), dbSNP rs2505918550, ClinGen allele CA357936341.

ClinVar aggregate classification (germline): Uncertain significance (1 of 4 stars; one submission).

Allele frequency attached by ClinVar (database versions not stated): gnomAD exomes 0.00001.
gnomAD v4.1: 16 of 1,614,180 alleles (0.00099%); highest among the groups gnomAD compares: Non-Finnish European, 0.0014%; no homozygotes.

Submission:

GeneDx
Classification: Uncertain significance. Last evaluated: 2023-02-10. Review status: criteria provided, single submitter. Criteria: GeneDx Variant Classification Process June 2021. Collection method: clinical testing. Allele origin: germline. Affected: yes.
Comment: Not observed at significant frequency in large population cohorts (gnomAD); In silico analysis supports that this missense variant does not alter protein structure/function; Has not been previously published as pathogenic or benign to our knowledge; Located in exon 38, which is reported as being expressed in a brain-specific transcript (Otto et al, 1991; Cunha et al, 2008; Wu et al, 2015); This variant is associated with the following publications: (PMID: 1830053, 18790697, 26109584)